The following is an entry in ClinVar:

NM_000535.7(PMS2):c.6G>C (p.Glu2Asp)

Gene: PMS2 (PMS1 homolog 2, mismatch repair system component; minus strand). Cytogenetic location: 7p22.1.
Variant type: single nucleotide variant.
Coding change: c.6G>C on transcript NM_000535.7 (MANE Select); coding-DNA position 6, G replaced by C.
Protein change: p.Glu2Asp; replaces glutamic acid 2 with aspartic acid.
Molecular consequence: missense variant. On other transcripts: 5 prime UTR variant (45), non-coding transcript variant (1).
Genome position (GRCh38, 1-based): chr7:6,009,014, C>G on the plus strand (G>C on the coding strand, the complement: PMS2 is on the minus strand). VCF-style: chr7-6009014-C-G. GRCh37 (hg19) VCF-style: chr7-6048645-C-G.
Other names: c.-376G>C (NM_001406900.1); c.-210G>C (NM_001406901.1, NM_001406903.1, NM_001322007.2 and 2 more transcripts); c.-395G>C (NM_001406906.1, NM_001406905.1, NM_001018040.1 and 5 more transcripts); c.-205G>C (NM_001406902.1, NM_001406883.1); c.-342G>C (NM_001406904.1, NM_001406889.1); c.-260G>C (NM_001322004.2, NM_001322010.2, NM_001406911.1); c.-590G>C (NM_001322005.2); c.6G>C, p.Glu2Asp (NM_001322006.2, NM_001322014.2, NM_001406866.1 and 11 more transcripts); and 19 more; short protein forms E2D.
Identifiers: ClinVar variation 2566079 (VCV002566079.2), dbSNP rs774177383, ClinGen allele CA050969.

ClinVar aggregate classification (germline): Uncertain significance (1 of 4 stars; one submission).

Conditions:
Hereditary cancer-predisposing syndrome. Also called: Neoplastic Syndromes, Hereditary; Hereditary Cancer Syndrome; Hereditary neoplastic syndrome; Tumor predisposition. Identifiers: Orphanet 140162, MedGen C0027672, MeSH D009386, MONDO:0015356.

Allele frequency attached by ClinVar (database versions not stated): ExAC 0.00001.

Submission:

Ambry Genetics
Classification: Uncertain significance for Hereditary cancer-predisposing syndrome. Last evaluated: 2023-06-01. Review status: criteria provided, single submitter. Criteria: Ambry Variant Classification Scheme 2023. Collection method: clinical testing. Allele origin: germline.
Comment: The p.E2D variant (also known as c.6G>C), located in coding exon 1 of the PMS2 gene, results from a G to C substitution at nucleotide position 6. The glutamic acid at codon 2 is replaced by aspartic acid, an amino acid with highly similar properties. This amino acid position is well conserved in available vertebrate species; however, aspartic acid is the reference amino acid in other vertebrate species. In addition, the in silico prediction for this alteration is inconclusive. Since supporting evidence is limited at this time, the clinical significance of this alteration remains unclear.